The following is an entry in ClinVar:

ClinVar aggregate classification (germline): Likely benign. Review status: criteria provided, multiple submitters, no conflicts (2 of 4 stars). 3 submissions from 3 submitters: Likely benign (3). Last evaluated 2026-09-08.

Conditions:
MARS1-related disorder. Also called: MARS1-related condition.
Charcot-Marie-Tooth disease axonal type 2U. Also called: CHARCOT-MARIE-TOOTH NEUROPATHY, TYPE 2U; CHARCOT-MARIE-TOOTH DISEASE, AXONAL, AUTOSOMAL DOMINANT, TYPE 2U. Identifiers: Orphanet 397735, MedGen C4084821, MONDO:0014566, OMIM 616280.
Severe early-onset pulmonary alveolar proteinosis due to MARS deficiency. Also called: Interstitial lung and liver disease; PULMONARY ALVEOLAR PROTEINOSIS, REUNION ISLAND. Identifiers: Orphanet 440427, MedGen C4225400, MONDO:0014206, OMIM 615486.

Allele frequency attached by ClinVar (database versions not stated): ExAC 0.00003; gnomAD 0.00005.
gnomAD v4.1: 34 of 1,613,976 alleles (0.0021%); highest among the groups gnomAD compares: South Asian, 0.013%; 1 homozygote.

Submissions (3):

PreventionGenetics, part of Exact Sciences
Classification: Likely benign for MARS1-related condition. Last evaluated: 2026-09-08. Review status: criteria provided, single submitter. Criteria: ACMG Guidelines, 2015. Collection method: clinical testing. Allele origin: germline.
Comment: This variant is classified as likely benign based on ACMG/AMP sequence variant interpretation guidelines (Richards et al. 2015 PMID: 25741868, with internal and published modifications).

Labcorp Genetics (formerly Invitae), Labcorp
Classification: Likely benign for Charcot-Marie-Tooth disease axonal type 2U; Severe early-onset pulmonary alveolar proteinosis due to MARS deficiency. Last evaluated: 2025-07-19. Review status: criteria provided, single submitter. Criteria: Invitae Variant Classification Sherloc (09022015). Collection method: clinical testing. Allele origin: germline.

CeGaT Center for Human Genetics Tuebingen
Classification: Likely benign. Last evaluated: 2021-06-01. Review status: criteria provided, single submitter. Criteria: CeGaT Center For Human Genetics Tuebingen Variant Classification Criteria Version 2. Collection method: clinical testing. Allele origin: germline. Affected: yes. Observed: 1 variant allele.

NM_004990.4(MARS1):c.1284C>T (p.Val428=)

Gene: MARS1 (methionyl-tRNA synthetase 1; plus strand). Cytogenetic location: 12q13.3.
Variant type: single nucleotide variant.
Coding change: c.1284C>T on transcript NM_004990.4 (MANE Select); coding-DNA position 1284, C replaced by T.
Protein change: p.Val428=; no amino-acid change (valine 428 retained).
Molecular consequence: synonymous variant.
Genome position (GRCh38, 1-based): chr12:57,500,513, C>T. VCF-style: chr12-57500513-C-T. GRCh37 (hg19) VCF-style: chr12-57894296-C-T.
Other names: c.1284C>T (NM_004990.3).
Identifiers: ClinVar variation 1176949 (VCV001176949.43), dbSNP rs752350446, ClinGen allele CA6650453.